The following is an entry in ClinVar:

ClinVar aggregate classification (germline): Uncertain significance (1 of 4 stars; one submission).

Conditions:
Ehlers-Danlos syndrome, type 4 (EDSVASC). Also called: Ehlers-Danlos syndrome vascular type; Ehlers Danlos syndrome, ecchymotic type; Ehlers Danlos syndrome, arterial type; Ehlers Danlos syndrome, Sack-Barabas type; Ehlers-Danlos Syndrome Type IV. Identifiers: Orphanet 286, MedGen C0268338, MONDO:0017314, OMIM 130050.

Submission:

Labcorp Genetics (formerly Invitae), Labcorp
Classification: Uncertain significance for Ehlers-Danlos syndrome, type 4. Last evaluated: 2024-06-15. Review status: criteria provided, single submitter. Criteria: Invitae Variant Classification Sherloc (09022015). Collection method: clinical testing. Allele origin: germline.
Comment: This sequence change replaces proline, which is neutral and non-polar, with arginine, which is basic and polar, at codon 1087 of the COL3A1 protein (p.Pro1087Arg). This variant is not present in population databases (gnomAD no frequency). This variant has not been reported in the literature in individuals affected with COL3A1-related conditions. Advanced modeling of protein sequence and biophysical properties (such as structural, functional, and spatial information, amino acid conservation, physicochemical variation, residue mobility, and thermodynamic stability) performed at Invitae indicates that this missense variant is not expected to disrupt COL3A1 protein function with a negative predictive value of 95%. In summary, the available evidence is currently insufficient to determine the role of this variant in disease. Therefore, it has been classified as a Variant of Uncertain Significance.

NM_000090.4(COL3A1):c.3260C>G (p.Pro1087Arg)

Gene: COL3A1 (collagen type III alpha 1 chain; plus strand). Cytogenetic location: 2q32.2.
Variant type: single nucleotide variant.
Coding change: c.3260C>G on transcript NM_000090.4 (MANE Select); coding-DNA position 3260, C replaced by G.
Protein change: p.Pro1087Arg; replaces proline 1087 with arginine.
Molecular consequence: missense variant.
Genome position (GRCh38, 1-based): chr2:189,007,504, C>G. VCF-style: chr2-189007504-C-G. GRCh37 (hg19) VCF-style: chr2-189872230-C-G.
Other names: short protein forms P1087R.
Identifiers: ClinVar variation 3634106 (VCV003634106.2).